The following is an entry in ClinVar:

ClinVar aggregate classification (germline): Uncertain significance. Review status: criteria provided, multiple submitters, no conflicts (2 of 4 stars). 2 submissions from 2 submitters: Uncertain significance (2). Last evaluated 2024-10-15.

Conditions:
Neurofibromatosis, type 2 (SWNV). Also called: BILATERAL ACOUSTIC NEUROFIBROMATOSIS; NF2-Related Schwannomatosis; SCHWANNOMATOSIS, VESTIBULAR. Identifiers: Orphanet 637, MedGen C0027832, MONDO:0007039, OMIM 101000. Disease mechanism: loss of function.
Hereditary cancer-predisposing syndrome. Also called: Tumor predisposition; Neoplastic Syndromes, Hereditary; Hereditary Cancer Syndrome; Hereditary neoplastic syndrome. Identifiers: Orphanet 140162, MedGen C0027672, MeSH D009386, MONDO:0015356.

Allele frequency attached by ClinVar (database versions not stated): TOPMed 0.00001.

Submissions (2):

Ambry Genetics
Classification: Uncertain significance for Hereditary cancer-predisposing syndrome. Last evaluated: 2024-10-15. Review status: criteria provided, single submitter. Criteria: Ambry Variant Classification Scheme 2023. Collection method: clinical testing. Allele origin: germline.
Comment: The p.A489V variant (also known as c.1466C>T), located in coding exon 14 of the NF2 gene, results from a C to T substitution at nucleotide position 1466. The alanine at codon 489 is replaced by valine, an amino acid with similar properties. This amino acid position is not well conserved in available vertebrate species. In addition, this alteration is predicted to be tolerated by in silico analysis. Based on the available evidence, the clinical significance of this variant remains unclear.

Labcorp Genetics (formerly Invitae), Labcorp
Classification: Uncertain significance for Neurofibromatosis, type 2. Last evaluated: 2021-08-28. Review status: criteria provided, single submitter. Criteria: Invitae Variant Classification Sherloc (09022015). Collection method: clinical testing. Allele origin: germline.
Comment: This sequence change replaces alanine with valine at codon 489 of the NF2 protein (p.Ala489Val). The alanine residue is weakly conserved and there is a small physicochemical difference between alanine and valine. This variant is not present in population databases (ExAC no frequency). This variant has not been reported in the literature in individuals affected with NF2-related conditions. Algorithms developed to predict the effect of missense changes on protein structure and function (SIFT, PolyPhen-2, Align-GVGD) all suggest that this variant is likely to be tolerated. In summary, the available evidence is currently insufficient to determine the role of this variant in disease. Therefore, it has been classified as a Variant of Uncertain Significance.

NM_000268.4(NF2):c.1466C>T (p.Ala489Val)

Gene: NF2 (NF2, moesin-ezrin-radixin like (MERLIN) tumor suppressor; plus strand). Cytogenetic location: 22q12.2.
Variant type: single nucleotide variant.
Coding change: c.1466C>T on transcript NM_000268.4 (MANE Select); coding-DNA position 1466, C replaced by T.
Protein change: p.Ala489Val; replaces alanine 489 with valine.
Molecular consequence: missense variant. On other transcripts: non-coding transcript variant (1), intron variant (1).
Genome position (GRCh38, 1-based): chr22:29,678,215, C>T. VCF-style: chr22-29678215-C-T. GRCh37 (hg19) VCF-style: chr22-30074204-C-T.
Other names: c.1466C>T, p.Ala489Val (NM_016418.5, NM_181825.3, NM_181832.3); c.1340C>T, p.Ala447Val (NM_181828.3); c.1343C>T, p.Ala448Val (NM_181829.3); c.1217C>T, p.Ala406Val (NM_181830.3, NM_181831.3); c.448-16537C>T (NM_181833.3); short protein forms A447V, A406V, A448V, A489V.
Identifiers: ClinVar variation 1393924 (VCV001393924.8), dbSNP rs1156963577, ClinGen allele CA411149578.
Genomic context (GRCh38, chr22:29,678,215, plus strand): 5'-TGTATGACCCAAGCTCCTAATCCGAAATTTCTCATTAACAGCCCATGAACCCAATTCCAG[C>T]ACCGTTGCCTCCTGACATACCAAGCTTCAACCTCATTGGTGACAGCCTGTCTTTCGACTT-3'
Protein context (NP_000259.1, residues 479-499): PTYPPMNPIP[Ala489Val]PLPPDIPSFN